The following is an entry in ClinVar:

ClinVar aggregate classification (germline): Uncertain significance (1 of 4 stars; one submission).

Conditions:
Familial thoracic aortic aneurysm and aortic dissection (TAAD). Also called: Thoracic aortic aneurysms and dissections. Identifiers: Orphanet 91387, MedGen C4707243, MONDO:0019625.

Submission:

Ambry Genetics
Classification: Uncertain significance for Familial thoracic aortic aneurysm and aortic dissection. Last evaluated: 2021-02-08. Review status: criteria provided, single submitter. Criteria: Ambry Variant Classification Scheme 2023. Collection method: clinical testing. Allele origin: germline.
Comment: The p.C64Y variant (also known as c.191G>A), located in coding exon 1 of the SMAD3 gene, results from a G to A substitution at nucleotide position 191. The cysteine at codon 64 is replaced by tyrosine, an amino acid with highly dissimilar properties. This amino acid position is highly conserved in available vertebrate species. In addition, this alteration is predicted to be deleterious by in silico analysis. Since supporting evidence is limited at this time, the clinical significance of this alteration remains unclear.

NM_005902.4(SMAD3):c.191G>A (p.Cys64Tyr)

Gene: SMAD3 (SMAD family member 3; plus strand). Cytogenetic location: 15q22.33.
Variant type: single nucleotide variant.
Coding change: c.191G>A on transcript NM_005902.4 (MANE Select); coding-DNA position 191, G replaced by A.
Protein change: p.Cys64Tyr; replaces cysteine 64 with tyrosine.
Molecular consequence: missense variant.
Genome position (GRCh38, 1-based): chr15:67,066,345, G>A. VCF-style: chr15-67066345-G-A. GRCh37 (hg19) VCF-style: chr15-67358683-G-A.
Other names: c.191G>A, p.Cys64Tyr (NM_001407011.1, NM_001407012.1, NM_001407013.1); short protein forms C64Y.
Identifiers: ClinVar variation 1782644 (VCV001782644.2), dbSNP rs1959916386, ClinGen allele CA393203093.